The following is an entry in ClinVar:

NM_001378477.3(NYX):c.-5G>A

Gene: NYX (nyctalopin; plus strand). Cytogenetic location: Xp11.4.
Variant type: single nucleotide variant.
Coding change: c.-5G>A on transcript NM_001378477.3 (MANE Select); 5 bases upstream of the start codon, G replaced by A.
Molecular consequence: 5 prime UTR variant.
Genome position (GRCh38, 1-based): chrX:41,447,900, G>A. VCF-style: chrX-41447900-G-A. GRCh37 (hg19) VCF-style: chrX-41307153-G-A.
Other names: c.-5G>A (NM_022567.3).
Identifiers: ClinVar variation 1938300 (VCV001938300.5), dbSNP rs1015364883, ClinGen allele CA329210585.

ClinVar aggregate classification (germline): Uncertain significance (1 of 4 stars; one submission).

Allele frequency attached by ClinVar (database versions not stated): TOPMed below 0.00001; gnomAD 0.00002.

Submission:

Labcorp Genetics (formerly Invitae), Labcorp
Classification: Uncertain significance. Last evaluated: 2024-10-02. Review status: criteria provided, single submitter. Criteria: Invitae Variant Classification Sherloc (09022015). Collection method: clinical testing. Allele origin: germline.
Comment: This sequence change replaces arginine, which is basic and polar, with glutamine, which is neutral and polar, at codon 4 of the NYX protein (p.Arg4Gln). This variant is present in population databases (no rsID available, gnomAD 0.02%). This variant has not been reported in the literature in individuals affected with NYX-related conditions. ClinVar contains an entry for this variant (Variation ID: 1938300). An algorithm developed to predict the effect of missense changes on protein structure and function outputs the following: PolyPhen-2: "Benign". The glutamine amino acid residue is found in multiple mammalian species, which suggests that this missense change does not adversely affect protein function. In summary, the available evidence is currently insufficient to determine the role of this variant in disease. Therefore, it has been classified as a Variant of Uncertain Significance.